The following is an entry in ClinVar:

ClinVar aggregate classification (germline): Uncertain significance (1 of 4 stars; one submission).

Conditions:
Cardiovascular phenotype. Identifiers: MedGen CN230736.

Allele frequency attached by ClinVar (database versions not stated): gnomAD 0.00005.
gnomAD v4.1: 27 of 1,549,866 alleles (0.0017%); highest among the groups gnomAD compares: African/African-American, 0.0096%; no homozygotes.

Submission:

Ambry Genetics
Classification: Uncertain significance for Cardiovascular phenotype. Last evaluated: 2025-05-24. Review status: criteria provided, single submitter. Criteria: Ambry Variant Classification Scheme 2023. Collection method: clinical testing. Allele origin: germline.
Comment: The p.D1437N variant (also known as c.4309G>A), located in coding exon 2 of the ZNF469 gene, results from a G to A substitution at nucleotide position 4309. The aspartic acid at codon 1437 is replaced by asparagine, an amino acid with highly similar properties. This amino acid position is conserved. In addition, this alteration is predicted to be tolerated by in silico analysis. Since supporting evidence is limited at this time, the clinical significance of this alteration remains unclear.

NM_001367624.2(ZNF469):c.4393G>A (p.Asp1465Asn)

Gene: ZNF469 (zinc finger protein 469; plus strand). Cytogenetic location: 16q24.2.
Variant type: single nucleotide variant.
Coding change: c.4393G>A on transcript NM_001367624.2 (MANE Select); coding-DNA position 4393, G replaced by A.
Protein change: p.Asp1465Asn; replaces aspartic acid 1465 with asparagine.
Molecular consequence: missense variant.
Genome position (GRCh38, 1-based): chr16:88,431,863, G>A. VCF-style: chr16-88431863-G-A. GRCh37 (hg19) VCF-style: chr16-88498271-G-A.
Other names: NM_001127464.1:c.4309G>A; short protein forms D1465N.
Identifiers: ClinVar variation 1739602 (VCV001739602.3), dbSNP rs763106149, ClinGen allele CA286375986.